The following is an entry in ClinVar:

ClinVar aggregate classification (germline): Uncertain significance. Review status: criteria provided, multiple submitters, no conflicts (2 of 4 stars). 2 submissions from 2 submitters: Uncertain significance (2). Last evaluated 2026-06-15.

Conditions:
Inborn genetic diseases. Identifiers: MedGen C0950123, MeSH D030342.

Allele frequency attached by ClinVar (database versions not stated): gnomAD exomes below 0.00001; gnomAD 0.00001.
gnomAD v4.1: 7 of 1,453,596 alleles (0.00048%); highest among the groups gnomAD compares: Admixed American, 0.0027%; no homozygotes.

Submissions (2):

Ambry Genetics
Classification: Uncertain significance for Inborn genetic diseases. Last evaluated: 2026-06-15. Review status: criteria provided, single submitter. Criteria: Ambry Variant Classification Scheme 2023. Collection method: clinical testing. Allele origin: germline.
Comment: The c.1422G>T (p.L474F) alteration is located in exon 7 (coding exon 6) of the ACAN gene. This alteration results from a G to T substitution at nucleotide position 1422, causing the leucine (L) at amino acid position 474 to be replaced by a phenylalanine (F). Based on data from gnomAD, the T allele has an overall frequency of <0.001% (0/80580) total alleles studied. The highest observed frequency was <0.001% (/) of alleles. Based on insufficient or conflicting evidence, the clinical significance of this alteration remains unclear.

Labcorp Genetics (formerly Invitae), Labcorp
Classification: Uncertain significance. Last evaluated: 2022-05-03. Review status: criteria provided, single submitter. Criteria: Invitae Variant Classification Sherloc (09022015). Collection method: clinical testing. Allele origin: germline.
Comment: This variant has not been reported in the literature in individuals affected with ACAN-related conditions. In summary, the available evidence is currently insufficient to determine the role of this variant in disease. Therefore, it has been classified as a Variant of Uncertain Significance. Algorithms developed to predict the effect of missense changes on protein structure and function are either unavailable or do not agree on the potential impact of this missense change (SIFT: "Deleterious"; PolyPhen-2: "Not Available"; Align-GVGD: "Class C15"). This variant is not present in population databases (gnomAD no frequency). This sequence change replaces leucine, which is neutral and non-polar, with phenylalanine, which is neutral and non-polar, at codon 474 of the ACAN protein (p.Leu474Phe).

NM_001369268.1(ACAN):c.1422G>T (p.Leu474Phe)

Gene: ACAN (aggrecan; plus strand). Cytogenetic location: 15q26.1.
Variant type: single nucleotide variant.
Coding change: c.1422G>T on transcript NM_001369268.1 (MANE Select); coding-DNA position 1422, G replaced by T.
Protein change: p.Leu474Phe; replaces leucine 474 with phenylalanine.
Molecular consequence: missense variant.
Genome position (GRCh38, 1-based): chr15:88,845,875, G>T. VCF-style: chr15-88845875-G-T. GRCh37 (hg19) VCF-style: chr15-89389106-G-T.
Other names: c.1422G>T, p.Leu474Phe (NM_001135.4, NM_001411096.1, NM_001411097.1 and 1 more transcripts); c.1422G>T (NM_013227.3); short protein forms L474F.
Identifiers: ClinVar variation 2103319 (VCV002103319.5), dbSNP rs1470231901, ClinGen allele CA393710319.